The following is an entry in ClinVar:

NM_001318852.2(MAPK8IP3):c.1261G>A (p.Val421Met)

Gene: MAPK8IP3 (mitogen-activated protein kinase 8 interacting protein 3; plus strand). Cytogenetic location: 16p13.3.
Variant type: single nucleotide variant.
Coding change: c.1261G>A on transcript NM_001318852.2 (MANE Select); coding-DNA position 1261, G replaced by A.
Protein change: p.Val421Met; replaces valine 421 with methionine.
Molecular consequence: missense variant.
Genome position (GRCh38, 1-based): chr16:1,759,972, G>A. VCF-style: chr16-1759972-G-A. GRCh37 (hg19) VCF-style: chr16-1809973-G-A.
Other names: c.1240G>A, p.Val414Met (NM_001040439.2); c.1258G>A, p.Val420Met (NM_015133.5); short protein forms V414M, V420M, V421M.
Identifiers: ClinVar variation 3343804 (VCV003343804.1).

ClinVar aggregate classification (germline): Uncertain significance (1 of 4 stars; one submission).

Submission:

GeneDx
Classification: Uncertain significance. Last evaluated: 2023-05-23. Review status: criteria provided, single submitter. Criteria: GeneDx Variant Classification Process June 2021. Collection method: clinical testing. Allele origin: germline. Affected: yes.
Comment: Not observed at significant frequency in large population cohorts (gnomAD); In silico analysis supports that this missense variant has a deleterious effect on protein structure/function; Has not been previously published as pathogenic or benign to our knowledge